The following is an entry in ClinVar:

ClinVar aggregate classification (germline): Benign. Review status: criteria provided, multiple submitters, no conflicts (2 of 4 stars). 2 submissions from 2 submitters: Benign (2). Last evaluated 2018-06-14.

Allele frequency attached by ClinVar (database versions not stated): TOPMed 0.48710; 1000 Genomes Project 30x 0.49610; 1000 Genomes Project 0.50359; gnomAD 0.50563 and 0.51246; gnomAD exomes 0.62693.
gnomAD v4.1: 462,656 of 767,326 alleles (60%); highest among the groups gnomAD compares: East Asian, 77%; 148,009 homozygotes.

Submissions (2):

GeneDx
Classification: Benign. Last evaluated: 2018-06-14. Review status: criteria provided, single submitter. Criteria: GeneDx Variant Classification (06012015). Collection method: clinical testing. Allele origin: germline. Affected: yes.
Comment: This variant is considered likely benign or benign based on one or more of the following criteria: it is a conservative change, it occurs at a poorly conserved position in the protein, it is predicted to be benign by multiple in silico algorithms, and/or has population frequency not consistent with disease.

Breakthrough Genomics
Classification: Benign. Review status: criteria provided, single submitter. Criteria: ACMG Guidelines, 2015. Collection method: not provided. Allele origin: germline. Inheritance: Autosomal recessive inheritance. Affected: yes.

NM_015340.4(LARS2):c.751-87T>C

Gene: LARS2 (leucyl-tRNA synthetase 2, mitochondrial; plus strand). Cytogenetic location: 3p21.31.
Variant type: single nucleotide variant.
Coding change: c.751-87T>C on transcript NM_015340.4 (MANE Select); 87 bases into the intron before coding-DNA position 751, T replaced by C.
Molecular consequence: intron variant.
Genome position (GRCh38, 1-based): chr3:45,474,156, T>C. VCF-style: chr3-45474156-T-C. GRCh37 (hg19) VCF-style: chr3-45515648-T-C.
Other names: c.751-87T>C (NM_001368263.1).
Identifiers: ClinVar variation 676141 (VCV000676141.2), dbSNP rs11919039, ClinGen allele CA15259687.